The following is an entry in ClinVar:

NM_001374828.1(ARID1B):c.3356G>A (p.Ser1119Asn)

Gene: ARID1B (AT-rich interaction domain 1B; plus strand). Cytogenetic location: 6q25.3.
Variant type: single nucleotide variant.
Coding change: c.3356G>A on transcript NM_001374828.1 (MANE Select); coding-DNA position 3356, G replaced by A.
Protein change: p.Ser1119Asn; replaces serine 1119 with asparagine.
Molecular consequence: missense variant. On other transcripts: intron variant (5).
Genome position (GRCh38, 1-based): chr6:157,174,857, G>A. VCF-style: chr6-157174857-G-A. GRCh37 (hg19) VCF-style: chr6-157495991-G-A.
Other names: c.3107G>A (NM_001346813.1); c.857G>A, p.Ser286Asn (NM_001363725.2); c.3485G>A, p.Ser1162Asn (NM_001438482.1); c.3398G>A, p.Ser1133Asn (NM_001438483.1); c.3266G>A, p.Ser1089Asn (NM_001438485.1); c.3176G>A, p.Ser1059Asn (NM_001438487.1); c.3384+740G>A (NM_001371656.1, NM_001374820.1); c.3387+740G>A (NM_001438486.1); and 2 more; short protein forms S1162N, S286N, S1059N, S1089N, S1119N, S1133N.
Identifiers: ClinVar variation 4894645 (VCV004894645.2).

ClinVar aggregate classification (germline): Likely benign. Review status: criteria provided, multiple submitters, no conflicts (2 of 4 stars). 2 submissions from 2 submitters: Likely benign (2). Last evaluated 2026-09-17.

Conditions:
ARID1B-Related Disorder. Identifiers: MedGen CN381337.

gnomAD v4.1: 202 of 1,545,948 alleles (0.013%); highest among the groups gnomAD compares: Non-Finnish European, 0.016%; no homozygotes.

Submissions (2):

PreventionGenetics, part of Exact Sciences
Classification: Likely benign for ARID1B-related condition. Last evaluated: 2026-09-17. Review status: criteria provided, single submitter. Criteria: ACMG Guidelines, 2015. Collection method: clinical testing. Allele origin: germline.
Comment: This variant is classified as likely benign based on ACMG/AMP sequence variant interpretation guidelines (Richards et al. 2015 PMID: 25741868, with internal and published modifications).

Blueprint Genetics
Classification: Likely benign. Last evaluated: 2023-05-19. Review status: criteria provided, single submitter. Criteria: ACMG Guidelines, 2015. Collection method: clinical testing. Allele origin: germline.